The following is an entry in ClinVar:

NM_016333.4(SRRM2):c.7092G>A (p.Ala2364=)

Gene: SRRM2 (serine/arginine repetitive matrix 2; plus strand). Cytogenetic location: 16p13.3.
Variant type: single nucleotide variant.
Coding change: c.7092G>A on transcript NM_016333.4 (MANE Select); coding-DNA position 7092, G replaced by A.
Protein change: p.Ala2364=; no amino-acid change (alanine 2364 retained).
Molecular consequence: synonymous variant.
Genome position (GRCh38, 1-based): chr16:2,767,620, G>A. VCF-style: chr16-2767620-G-A. GRCh37 (hg19) VCF-style: chr16-2817621-G-A.
Identifiers: ClinVar variation 2646081 (VCV002646081.25), dbSNP rs150380100, ClinGen allele CA7848971.
Genomic context (GRCh38, chr16:2,767,620, plus strand): 5'-ACATGCCACAGCTCCTGTGAATATTGCCGGCTCCAGAACCGCCGCAGCCTTGGCCCCCGC[G>A]AGCCTCACCAGTGCTAGGATGGCTCCAGCATTGTCTGGTGCAAACCTCACCAGCCCCAGG-3'
Protein context (NP_057417.3, residues 2354-2374): GSRTAAALAP[Ala2364=]SLTSARMAPA

ClinVar aggregate classification (germline): Likely benign. Review status: criteria provided, multiple submitters, no conflicts (2 of 4 stars). 2 submissions from 2 submitters: Likely benign (2). Last evaluated 2025-10-01.

Allele frequency attached by ClinVar (database versions not stated): 1000 Genomes Project 30x 0.00031; 1000 Genomes Project 0.00040; gnomAD 0.00087; TOPMed 0.00100; ExAC 0.00101; ESP Exome Variant Server 0.00131; gnomAD exomes 0.00143.
gnomAD v4.1: 2,210 of 1,614,128 alleles (0.14%); highest among the groups gnomAD compares: Middle Eastern, 0.38%; 5 homozygotes.

Submissions (2):

CeGaT Center for Human Genetics Tuebingen
Classification: Likely benign. Last evaluated: 2025-10-01. Review status: criteria provided, single submitter. Criteria: CeGaT Center For Human Genetics Tuebingen Variant Classification Criteria Version 2. Collection method: clinical testing. Allele origin: germline. Affected: yes. Observed: 4 variant alleles.
Comment: SRRM2: BP4, BP7

Blueprint Genetics
Classification: Likely benign. Last evaluated: 2024-11-27. Review status: criteria provided, single submitter. Criteria: ACMG Guidelines, 2015. Collection method: clinical testing. Allele origin: germline.